The following is an entry in ClinVar:

NM_001267550.2(TTN):c.17393G>T (p.Gly5798Val)

Genes: TTN (titin; minus strand), LOC126806431 (CDK7 strongly-dependent group 2 enhancer GRCh37_chr2:179595719-179596918; plus strand). Cytogenetic location: 2q31.2.
Variant type: single nucleotide variant.
Coding change: c.17393G>T on transcript NM_001267550.2 (MANE Select); coding-DNA position 17393, G replaced by T.
Protein change: p.Gly5798Val; replaces glycine 5798 with valine.
Molecular consequence: missense variant. On other transcripts: intron variant (3).
Genome position (GRCh38, 1-based): chr2:178,731,373, C>A on the plus strand (G>T on the coding strand, the complement: TTN is on the minus strand). VCF-style: chr2-178731373-C-A. GRCh37 (hg19) VCF-style: chr2-179596100-C-A.
Other names: p.G5481V:GGG>GTG; c.16442G>T, p.Gly5481Val (NM_001256850.1); c.13661G>T, p.Gly4554Val (NM_133378.4); c.13282+6709G>T (NM_003319.4); c.13858+6709G>T (NM_133437.4); c.13657+6709G>T (NM_133432.3); short protein forms G5481V, G5798V, G4554V.
Identifiers: ClinVar variation 203262 (VCV000203262.2), dbSNP rs754818408, ClinGen allele CA311850.

ClinVar aggregate classification (germline): Uncertain significance (1 of 4 stars; one submission).

Allele frequency attached by ClinVar (database versions not stated): TOPMed 0.00002.
gnomAD v4.1: 3 of 1,613,674 alleles (0.00019%); highest among the groups gnomAD compares: African/African-American, 0.004%; no homozygotes.

Submission:

GeneDx
Classification: Uncertain significance. Last evaluated: 2014-05-16. Review status: criteria provided, single submitter. Criteria: GeneDx Variant Classification (06012015). Collection method: clinical testing. Allele origin: germline. Affected: yes.
Comment: Missense variants in the TTN gene are considered 'unclassified' if they are not previously reported in the literature and do not have >1% frequency in the population to be considered a polymorphism. Research indicates that truncating mutations in the TTN gene are expected to account for approximately 25% of familial and 18% of sporadic idiopathic DCM; however, truncating variants in the TTN gene have been reported in approximately 3% of reported control alleles. There has been little investigation into non-truncating variants. (Herman D et al. Truncations of titin causing dilated cardiomyopathy. N Eng J Med 366:619-628, 2012) The variant is found in DCM-CRDM panel(s).